The following is an entry in ClinVar:

ClinVar aggregate classification (germline): Uncertain significance. Review status: criteria provided, multiple submitters, no conflicts (2 of 4 stars). 4 submissions from 4 submitters: Uncertain significance (4). Last evaluated 2025-12-06.

Conditions:
Tuberous sclerosis syndrome (TSC). Also called: Tuberous Sclerosis Complex; Tuberous sclerosis. Identifiers: Orphanet 805, MedGen C0041341, MONDO:0001734.
Hereditary cancer-predisposing syndrome. Also called: Tumor predisposition; Neoplastic Syndromes, Hereditary; Hereditary Cancer Syndrome; Hereditary neoplastic syndrome. Identifiers: Orphanet 140162, MedGen C0027672, MeSH D009386, MONDO:0015356.
Tuberous sclerosis 2 (TSC2). Identifiers: Orphanet 805, MedGen C1860707, MONDO:0013199, OMIM 613254.

Allele frequency attached by ClinVar (database versions not stated): gnomAD exomes 0.00001; TOPMed 0.00001.
gnomAD v4.1: 9 of 1,613,786 alleles (0.00056%); highest among the groups gnomAD compares: Non-Finnish European, 0.00076%; no homozygotes.

Submissions (4):

Labcorp Genetics (formerly Invitae), Labcorp
Classification: Uncertain significance for Tuberous sclerosis 2. Last evaluated: 2025-12-06. Review status: criteria provided, single submitter. Criteria: Invitae Variant Classification Sherloc (09022015). Collection method: clinical testing. Allele origin: germline.
Comment: This sequence change replaces arginine, which is basic and polar, with glutamine, which is neutral and polar, at codon 59 of the TSC2 protein (p.Arg59Gln). This variant is not present in population databases (gnomAD no frequency). This missense change has been observed in individual(s) with clinical features of tuberous sclerosis complex (PMID: 32917966). ClinVar contains an entry for this variant (Variation ID: 486661). Invitae Evidence Modeling of protein sequence and biophysical properties (such as structural, functional, and spatial information, amino acid conservation, physicochemical variation, residue mobility, and thermodynamic stability) indicates that this missense variant is not expected to disrupt TSC2 protein function with a negative predictive value of 95%. In summary, the available evidence is currently insufficient to determine the role of this variant in disease. Therefore, it has been classified as a Variant of Uncertain Significance.

Ambry Genetics
Classification: Uncertain significance for Hereditary cancer-predisposing syndrome. Last evaluated: 2025-11-06. Review status: criteria provided, single submitter. Criteria: Ambry Variant Classification Scheme 2023. Collection method: clinical testing. Allele origin: germline.
Comment: The p.R59Q variant (also known as c.176G>A), located in coding exon 2 of the TSC2 gene, results from a G to A substitution at nucleotide position 176. The arginine at codon 59 is replaced by glutamine, an amino acid with highly similar properties. This amino acid position is highly conserved in available vertebrate species. In addition, the in silico prediction for this alteration is inconclusive. Based on the available evidence, the clinical significance of this variant remains unclear.

All of Us Research Program, National Institutes of Health
Classification: Uncertain significance for Tuberous sclerosis syndrome. Last evaluated: 2023-05-08. Review status: criteria provided, single submitter. Criteria: ACMG Guidelines, 2015. Collection method: clinical testing. Allele origin: germline. Inheritance: Autosomal dominant inheritance. Observed: 1 variant allele, 1 heterozygote.
Comment: This study involves interpretation of variants in research participants for the purpose of population health screening. Participant phenotype was not available at the time of variant classification. Additional details can be found in publication PMID: 35346344, PMCID: PMC8962531

Genome-Nilou Lab
Classification: Uncertain significance for Tuberous sclerosis 2. Last evaluated: 2021-11-07. Review status: criteria provided, single submitter. Criteria: ACMG Guidelines, 2015. Collection method: clinical testing. Allele origin: germline. Affected: no.

Literature cited by the submitters: PubMed 32917966 (cited by Labcorp Genetics (formerly Invitae), Labcorp).

NM_000548.5(TSC2):c.176G>A (p.Arg59Gln)

Gene: TSC2 (TSC complex subunit 2; plus strand). Cytogenetic location: 16p13.3.
Variant type: single nucleotide variant.
Coding change: c.176G>A on transcript NM_000548.5 (MANE Select); coding-DNA position 176, G replaced by A.
Protein change: p.Arg59Gln; replaces arginine 59 with glutamine.
Molecular consequence: missense variant. On other transcripts: 5 prime UTR variant (1).
Genome position (GRCh38, 1-based): chr16:2,050,437, G>A. VCF-style: chr16-2050437-G-A. GRCh37 (hg19) VCF-style: chr16-2100438-G-A.
Other names: c.176G>A, p.Arg59Gln (NM_001077183.3, NM_001114382.3, NM_001318827.2 and 4 more transcripts); c.29G>A, p.Arg10Gln (NM_001318829.2); c.-51G>A (NM_001318831.2); c.209G>A, p.Arg70Gln (NM_001318832.2); short protein forms R59Q, R10Q, R70Q.
Identifiers: ClinVar variation 486661 (VCV000486661.18), dbSNP rs1161261925, ClinGen allele CA394303300.
Genomic context (GRCh38, chr16:2,050,437, plus strand): 5'-TTTCTTCTTTCATCTCTCTCCAGGAACTGAGCATGGAATGTGGCCTCAACAATCGCATCC[G>A]GATGATAGGGCAGATTTGTGAAGTCGCAAAAACCAAGAAATTTGAAGAGGTAGGTTTATC-3'
Protein context (NP_000539.2, residues 49-69): SMECGLNNRI[Arg59Gln]MIGQICEVAK